The following is an entry in ClinVar:

ClinVar aggregate classification (germline): Pathogenic (1 of 4 stars; one submission).

Submission:

Labcorp Genetics (formerly Invitae), Labcorp
Classification: Pathogenic. Last evaluated: 2023-06-16. Review status: criteria provided, single submitter. Criteria: Invitae Variant Classification Sherloc (09022015). Collection method: clinical testing. Allele origin: germline.
Comment: This sequence change creates a premature translational stop signal (p.Pro2672Leufs*10) in the EYS gene. It is expected to result in an absent or disrupted protein product. Loss-of-function variants in EYS are known to be pathogenic (PMID: 18836446, 20333770). This variant is not present in population databases (gnomAD no frequency). This variant has not been reported in the literature in individuals affected with EYS-related conditions. For these reasons, this variant has been classified as Pathogenic.

Literature cited by the submitters: PubMed 18836446; PubMed 20333770.

NM_001142800.2(EYS):c.8015del (p.Pro2672fs)

Gene: EYS (EGF-like photoreceptor maintenance factor; minus strand). Cytogenetic location: 6q12.
Variant type: Deletion.
Coding change: c.8015del on transcript NM_001142800.2 (MANE Select); coding-DNA position 8015, one base deleted (C; older notation c.8015delC).
Protein change: p.Pro2672fs; shifts the reading frame from proline 2672.
Molecular consequence: frameshift variant.
Genome position (GRCh38, 1-based): chr6:63,762,517, G deleted on the plus strand (C on the coding strand, the reverse complement: EYS is on the minus strand); the first of 2 consecutive G bases (chr6:63,762,517-63,762,518); deleting either gives the same sequence. VCF-style (leftmost placement, unchanged base first): chr6-63762516-AG-A. GRCh37 (hg19) VCF-style: chr6-64472409-AG-A.
Other names: c.8015del, p.Pro2672fs (NM_001292009.2); short protein forms P2672fs.
Identifiers: ClinVar variation 2717536 (VCV002717536.3), dbSNP rs2533486688, ClinGen allele CA2697553508.